The following is an entry in ClinVar:

ClinVar aggregate classification (germline): Uncertain significance. Review status: criteria provided, multiple submitters, no conflicts (2 of 4 stars). 3 submissions from 3 submitters: Uncertain significance (3). Last evaluated 2025-03-28.

Conditions:
Inborn genetic diseases. Identifiers: MedGen C0950123, MeSH D030342.
Renal coloboma syndrome (PAPRS). Also called: PAPILLORENAL SYNDROME WITH MILD OCULAR ABNORMALITIES; PAPILLORENAL SYNDROME; COLOBOMA OF OPTIC NERVE WITH RENAL DISEASE; OPTIC COLOBOMA, VESICOURETERAL REFLUX, AND RENAL ANOMALIES; OPTIC NERVE COLOBOMA WITH RENAL DISEASE; RENAL-COLOBOMA SYNDROME WITH MACULAR ABNORMALITIES. Identifiers: Orphanet 1475, MedGen C1852759, MONDO:0007352, OMIM 120330.
Focal segmental glomerulosclerosis 7 (FSGS7). Identifiers: Orphanet 656, MedGen C4014925, MONDO:0014451, OMIM 616002.

Allele frequency attached by ClinVar (database versions not stated): gnomAD exomes below 0.00001.
gnomAD v4.1: 1 of 1,614,194 alleles (0.000062%); highest among the groups gnomAD compares: Non-Finnish European, 0.000085%; no homozygotes.

Submissions (3):

MVZ Medizinische Genetik Mainz
Classification: Uncertain significance for Focal segmental glomerulosclerosis 7. Last evaluated: 2025-03-28. Review status: criteria provided, single submitter. Criteria: UK Practice Guidelines For Variant Classification V4 01 2020. Collection method: clinical testing. Allele origin: germline. Inheritance: Autosomal dominant inheritance. Affected: yes. Observed: 1 variant allele.
Comment: ACMG Criteria: PP3_MOD,PM2_SUP

Ambry Genetics
Classification: Uncertain significance for Inborn genetic diseases. Last evaluated: 2024-09-10. Review status: criteria provided, single submitter. Criteria: Ambry Variant Classification Scheme 2023. Collection method: clinical testing. Allele origin: germline.

Labcorp Genetics (formerly Invitae), Labcorp
Classification: Uncertain significance for Renal coloboma syndrome; Focal segmental glomerulosclerosis 7. Last evaluated: 2023-04-26. Review status: criteria provided, single submitter. Criteria: Invitae Variant Classification Sherloc (09022015). Collection method: clinical testing. Allele origin: germline.
Comment: In summary, the available evidence is currently insufficient to determine the role of this variant in disease. Therefore, it has been classified as a Variant of Uncertain Significance. Experimental studies and prediction algorithms are not available or were not evaluated, and the functional significance of this variant is currently unknown. This variant has not been reported in the literature in individuals affected with PAX2-related conditions. This variant is not present in population databases (gnomAD no frequency). This sequence change replaces proline, which is neutral and non-polar, with serine, which is neutral and polar, at codon 251 of the PAX2 protein (p.Pro251Ser).

NM_000278.5(PAX2):c.751C>T (p.Pro251Ser)

Gene: PAX2 (paired box 2; plus strand). Cytogenetic location: 10q24.31.
Variant type: single nucleotide variant.
Coding change: c.751C>T on transcript NM_000278.5 (MANE Select); coding-DNA position 751, C replaced by T.
Protein change: p.Pro251Ser; replaces proline 251 with serine.
Molecular consequence: missense variant.
Genome position (GRCh38, 1-based): chr10:100,806,564, C>T. VCF-style: chr10-100806564-C-T. GRCh37 (hg19) VCF-style: chr10-102566321-C-T.
Other names: c.820C>T (NM_003987.3); c.844C>T, p.Pro282Ser (NM_001304569.2); c.820C>T, p.Pro274Ser (NM_003987.5, NM_003990.5); c.751C>T, p.Pro251Ser (NM_003988.5, NM_003989.5); short protein forms P251S, P274S, P282S.
Identifiers: ClinVar variation 2936667 (VCV002936667.5), dbSNP rs1305251805, ClinGen allele CA378259134.